The following is an entry in ClinVar:

NM_000350.3(ABCA4):c.1552G>A (p.Glu518Lys)

Gene: ABCA4 (ATP binding cassette subfamily A member 4; minus strand). Cytogenetic location: 1p22.1.
Variant type: single nucleotide variant.
Coding change: c.1552G>A on transcript NM_000350.3 (MANE Select); coding-DNA position 1552, G replaced by A.
Protein change: p.Glu518Lys; replaces glutamic acid 518 with lysine.
Molecular consequence: missense variant.
Genome position (GRCh38, 1-based): chr1:94,077,692, C>T on the plus strand (G>A on the coding strand, the complement: ABCA4 is on the minus strand). VCF-style: chr1-94077692-C-T. GRCh37 (hg19) VCF-style: chr1-94543248-C-T.
Other names: c.1552G>A, p.Glu518Lys (NM_001425324.1); short protein forms E518K.
Identifiers: ClinVar variation 876827 (VCV000876827.11), dbSNP rs369860406, ClinGen allele CA958496.

ClinVar aggregate classification (germline): Uncertain significance. Review status: criteria provided, multiple submitters, no conflicts (2 of 4 stars). 4 submissions from 4 submitters: Uncertain significance (4). Last evaluated 2023-06-21.

Conditions:
ABCA4-related disorder. Also called: ABCA4-related condition; ABCA4-related disorders. Identifiers: MedGen CN239167.

Allele frequency attached by ClinVar (database versions not stated): ExAC 0.00005; gnomAD exomes 0.00006 and 0.00011; gnomAD 0.00007 and 0.00008; TOPMed 0.00009; ESP Exome Variant Server 0.00031.
gnomAD v4.1: 174 of 1,610,550 alleles (0.011%); highest among the groups gnomAD compares: Non-Finnish European, 0.014%; no homozygotes.

Submissions (4):

Women's Health and Genetics/Laboratory Corporation of America, LabCorp
Classification: Uncertain significance. Last evaluated: 2023-06-21. Review status: criteria provided, single submitter. Criteria: LabCorp Variant Classification Summary - May 2015. Collection method: clinical testing. Allele origin: germline.
Comment: Variant summary: ABCA4 c.1552G>A (p.Glu518Lys) results in a conservative amino acid change in the encoded protein sequence. Four of five in-silico tools predict a damaging effect of the variant on protein function. The variant allele was found at a frequency of 6.4e-05 in 249770 control chromosomes. This frequency is not significantly higher than estimated for a pathogenic variant in ABCA4 causing Retinitis Pigmentosa (6.4e-05 vs 0.0014), allowing no conclusion about variant significance. c.1552G>A has been reported in the literature in individuals affected with Retinitis Pigmentosa (e.g., Xu_2014, Wang_2017, Wang_2014). However, these reports do not provide unequivocal conclusions about association of the variant with Retinitis Pigmentosa due to the presence of other potentially causative variants. Co-occurrence with a variant has been reported (EYS c.7376dupA, p.Asn2459Lysfs*2), providing supporting evidence for a benign role. To our knowledge, no experimental evidence demonstrating an impact on protein function has been reported. The following publications have been ascertained in the context of this evaluation (PMID: 28838317, 25097241, 24938718). Two submitters have cited clinical-significance assessments for this variant to ClinVar after 2014, and both submitters classified the variant as uncertain significance. Based on the evidence outlined above, the variant was classified as VUS.

Labcorp Genetics (formerly Invitae), Labcorp
Classification: Uncertain significance. Last evaluated: 2022-06-27. Review status: criteria provided, single submitter. Criteria: Invitae Variant Classification Sherloc (09022015). Collection method: clinical testing. Allele origin: germline.
Comment: This sequence change replaces glutamic acid, which is acidic and polar, with lysine, which is basic and polar, at codon 518 of the ABCA4 protein (p.Glu518Lys). This variant is present in population databases (rs369860406, gnomAD 0.01%). This variant has not been reported in the literature in individuals affected with ABCA4-related conditions. ClinVar contains an entry for this variant (Variation ID: 876827). Algorithms developed to predict the effect of missense changes on protein structure and function are either unavailable or do not agree on the potential impact of this missense change (SIFT: "Tolerated"; PolyPhen-2: "Possibly Damaging"; Align-GVGD: "Class C0"). In summary, the available evidence is currently insufficient to determine the role of this variant in disease. Therefore, it has been classified as a Variant of Uncertain Significance.

Blueprint Genetics
Classification: Uncertain significance. Last evaluated: 2018-11-14. Review status: criteria provided, single submitter. Criteria: ACMG Guidelines, 2015. Collection method: clinical testing. Allele origin: germline.

Illumina Laboratory Services, Illumina
Classification: Uncertain significance for ABCA4-Related Disorders. Last evaluated: 2018-01-12. Review status: criteria provided, single submitter. Criteria: ICSL Variant Classification Criteria 13 December 2019. Collection method: clinical testing. Allele origin: germline.

Literature cited by the submitters: PubMed 25097241 (cited by Women's Health and Genetics/Laboratory Corporation of America, LabCorp); PubMed 24938718 (cited by Women's Health and Genetics/Laboratory Corporation of America, LabCorp); PubMed 28838317 (cited by Women's Health and Genetics/Laboratory Corporation of America, LabCorp).